The following is an entry in ClinVar:

ClinVar aggregate classification (germline): Pathogenic. Review status: reviewed by expert panel (3 of 4 stars). 2 submissions from 2 submitters: Pathogenic (1). 1 of the submissions does not count toward it. Last evaluated 2017-12-15.

Conditions:
Breast-ovarian cancer, familial, susceptibility to, 2 (BROVCA2). Also called: BRCA2 Hereditary Breast and Ovarian Cancer. Identifiers: Orphanet 145, MedGen C2675520, MONDO:0012933, OMIM 612555. Disease mechanism: loss of function.
Familial cancer of breast. Also called: BREAST CANCER, FAMILIAL; Hereditary breast cancer; hereditary breast carcinoma. Identifiers: Orphanet 227535, MedGen C0346153, MONDO:0016419, OMIM 114480. Disease mechanism: loss of function.

Submissions (2):

Evidence-based Network for the Interpretation of Germline Mutant Alleles (ENIGMA)
Classification: Pathogenic for Breast-ovarian cancer, familial, susceptibility to, 2. Last evaluated: 2017-12-15. Review status: reviewed by expert panel. Criteria: ENIGMA BRCA1/2 Classification Criteria (2017-06-29). Collection method: curation. Allele origin: germline. Study: ENIGMA.
Comment: Variant allele predicted to encode a truncated non-functional protein.

ClinVar Staff, National Center for Biotechnology Information (NCBI)
No classification provided. Condition: Familial cancer of breast. Review status: no classification provided. Collection method: literature only. Allele origin: germline. Affected: yes. Not counted in ClinVar's aggregate classification.

Literature cited by the submitters: PubMed 22762150 (cited by ClinVar Staff, National Center for Biotechnology Information (NCBI)).

NM_000059.4(BRCA2):c.6527del (p.Asn2176fs)

Gene: BRCA2 (BRCA2 DNA repair associated; plus strand). Cytogenetic location: 13q13.1.
Variant type: Deletion.
Coding change: c.6527del on transcript NM_000059.4 (MANE Select); coding-DNA position 6527, one base deleted (A; older notation c.6527delA).
Protein change: p.Asn2176fs; shifts the reading frame from asparagine 2176.
Molecular consequence: frameshift variant.
Genome position (GRCh38, 1-based): chr13:32,340,882, A deleted; the last of 2 consecutive A bases (chr13:32,340,881-32,340,882); deleting either gives the same sequence. VCF-style (leftmost placement, unchanged base first): chr13-32340880-GA-G. GRCh37 (hg19) VCF-style: chr13-32915017-GA-G.
Other names: c.6527delA (NM_000059.3); short protein forms N2176fs.
Identifiers: ClinVar variation 52120 (VCV000052120.3), dbSNP rs397507864, ClinGen allele CA024129.